The following is an entry in ClinVar:

NM_201548.5(CERKL):c.1361dup (p.Asn454fs)

Gene: CERKL (CERK like autophagy regulator; minus strand). Cytogenetic location: 2q31.3.
Variant type: Duplication.
Coding change: c.1361dup on transcript NM_201548.5 (MANE Select); coding-DNA position 1361, one base duplicated (A; older notation c.1361dupA).
Protein change: p.Asn454fs; shifts the reading frame from asparagine 454.
Molecular consequence: frameshift variant. On other transcripts: non-coding transcript variant (2).
Genome position (GRCh38, 1-based): chr2:181,544,704, T duplicated on the plus strand (A on the coding strand, the reverse complement: CERKL is on the minus strand); the first of 6 consecutive T bases (chr2:181,544,704-181,544,709); duplicating any one gives the same sequence. VCF-style (leftmost placement, unchanged base first): chr2-181544703-A-AT. GRCh37 (hg19) VCF-style: chr2-182409430-A-AT.
Other names: c.1439dup, p.Asn480fs (NM_001030311.3); c.1022dup, p.Asn341fs (NM_001030312.3); c.1154dup, p.Asn385fs (NM_001030313.3); c.1307dup, p.Asn436fs (NM_001160277.2); short protein forms N436fs, N480fs, N385fs, N454fs, N341fs.
Identifiers: ClinVar variation 1455683 (VCV001455683.9), dbSNP rs2105797158, ClinGen allele CA2573134034.

ClinVar aggregate classification (germline): Pathogenic/Likely pathogenic. Review status: criteria provided, multiple submitters, no conflicts (2 of 4 stars). 3 submissions from 3 submitters: Pathogenic (2); Likely pathogenic (1). Last evaluated 2024-10-01.

Conditions:
Retinitis pigmentosa 26 (RP26). Identifiers: Orphanet 791, MedGen C1842127, MONDO:0012024, OMIM 608380.
Cone-rod dystrophy. Also called: Cone-rod degeneration; Cone/cone-rod dystrophy. Identifiers: Orphanet 1872, MedGen C4085590, MONDO:0015993, HP:0000548.

Submissions (3):

Lab De Baere, Eye and Developmental Genetics Lab, Ghent University
Classification: Pathogenic for Cone-rod dystrophy. Last evaluated: 2024-10-01. Review status: criteria provided, single submitter. Criteria: ACMG Guidelines, 2015. Collection method: research. Allele origin: inherited. Affected: yes. Observed: 1 variant allele.
Comment: ACMG/AMP guidelines: PM2, PP4_PP, PVS1, PP1, PM3_PP

Baylor Genetics
Classification: Likely pathogenic for Retinitis pigmentosa 26. Last evaluated: 2023-12-16. Review status: criteria provided, single submitter. Criteria: ACMG Guidelines, 2015. Collection method: clinical testing. Allele origin: unknown.

Labcorp Genetics (formerly Invitae), Labcorp
Classification: Pathogenic. Last evaluated: 2020-12-04. Review status: criteria provided, single submitter. Criteria: Invitae Variant Classification Sherloc (09022015). Collection method: clinical testing. Allele origin: germline.
Comment: This sequence change creates a premature translational stop signal (p.Asn480Lysfs*9) in the CERKL gene. It is expected to result in an absent or disrupted protein product. Loss-of-function variants in CERKL are known to be pathogenic (PMID: 14681825, 24043777). This variant is not present in population databases (ExAC no frequency). This variant has not been reported in the literature in individuals with CERKL-related conditions. For these reasons, this variant has been classified as Pathogenic.

Literature cited by the submitters: PubMed 14681825 (cited by Labcorp Genetics (formerly Invitae), Labcorp); PubMed 24043777 (cited by Labcorp Genetics (formerly Invitae), Labcorp).